The following is an entry in ClinVar:

NM_004881.5(TP53I3):c.337T>C (p.Leu113=)

Genes: FAM228B (family with sequence similarity 228 member B; plus strand), TP53I3 (tumor protein p53 inducible protein 3; minus strand). Cytogenetic location: 2p23.3.
Variant type: single nucleotide variant.
Coding change: c.337T>C on transcript NM_004881.5 (MANE Select); coding-DNA position 337, T replaced by C.
Protein change: p.Leu113=; no amino-acid change (leucine 113 retained).
Molecular consequence: synonymous variant. On other transcripts: intron variant (1).
Genome position (GRCh38, 1-based): chr2:24,082,954, A>G on the plus strand (T>C on the coding strand, the complement: TP53I3 is on the minus strand). VCF-style: chr2-24082954-A-G. GRCh37 (hg19) VCF-style: chr2-24305824-A-G.
Other names: c.337T>C, p.Leu113= (NM_001206802.2, NM_147184.4); c.-210+1999A>G (NM_001291328.2).
Identifiers: ClinVar variation 3058570 (VCV003058570.2), dbSNP rs139475023, ClinGen allele CA1549652.
Genomic context (GRCh38, chr2:24,082,954, plus strand): 5'-GTAACAGCTGGAAGGCGGTGAGCCAGGCCTCTGGGATGGCTGCAGCCTGGGTCAGGGTCA[A>G]TCCCTCTGGGATAGGCATGAGGAGCCCTTCGGGGACAGTGACGTACTGAGCCTGGCCCCC-3'
Protein context (NP_004872.2, residues 103-123): EGLLMPIPEG[Leu113=]TLTQAAAIPE

ClinVar aggregate classification (germline): Likely benign (0 of 4 stars; one submission).

Conditions:
TP53I3-related disorder. Also called: TP53I3-related condition.

Allele frequency attached by ClinVar (database versions not stated): ExAC 0.00033; ESP Exome Variant Server 0.00046; gnomAD 0.00025; TOPMed 0.00032; gnomAD exomes 0.00031.
gnomAD v4.1: 495 of 1,614,048 alleles (0.031%); highest among the groups gnomAD compares: Middle Eastern, 0.12%; 1 homozygote.

Submission:

PreventionGenetics, part of Exact Sciences
Classification: Likely benign for TP53I3-related condition. Last evaluated: 2022-08-10. Review status: no assertion criteria provided. Collection method: clinical testing. Allele origin: germline.
Comment: This variant is classified as likely benign based on ACMG/AMP sequence variant interpretation guidelines (Richards et al. 2015 PMID: 25741868, with internal and published modifications).